The following is an entry in ClinVar:

NM_003922.4(HERC1):c.5692C>T (p.His1898Tyr)

Gene: HERC1 (HECT and RLD domain containing E3 ubiquitin protein ligase family member 1; minus strand). Cytogenetic location: 15q22.31.
Variant type: single nucleotide variant.
Coding change: c.5692C>T on transcript NM_003922.4 (MANE Select); coding-DNA position 5692, C replaced by T.
Protein change: p.His1898Tyr; replaces histidine 1898 with tyrosine.
Molecular consequence: missense variant.
Genome position (GRCh38, 1-based): chr15:63,692,549, G>A on the plus strand (C>T on the coding strand, the complement: HERC1 is on the minus strand). VCF-style: chr15-63692549-G-A. GRCh37 (hg19) VCF-style: chr15-63984748-G-A.
Other names: short protein forms H1898Y.
Identifiers: ClinVar variation 3857523 (VCV003857523.3).
Genomic context (GRCh38, chr15:63,692,549, plus strand): 5'-TTGAAGATACAACTCTGCGAAGAAAAACTAAAAAATCCCCTAGATGGAGTTCGGCTGCAT[G>A]TTGTTTCCTAAGAGCAGCTACAGTGAAGAGACAAGTTTACGTTACAACCAAGAGCCAACA-3'
Protein context (NP_003913.3, residues 1888-1908): KDFRAALRKQ[His1898Tyr]AAELHLGDFL

ClinVar aggregate classification (germline): Uncertain significance. Review status: criteria provided, multiple submitters, no conflicts (2 of 4 stars). 2 submissions from 2 submitters: Uncertain significance (2). Last evaluated 2026-02-10.

Conditions:
Macrocephaly, dysmorphic facies, and psychomotor retardation (MDFPMR). Identifiers: Orphanet 457359, MedGen C4310766, MONDO:0014863, OMIM 617011.
Inborn genetic diseases. Identifiers: MedGen C0950123, MeSH D030342.

gnomAD v4.1: 1 of 1,608,224 alleles (0.000062%); highest among the groups gnomAD compares: Non-Finnish European, 0.000085%; no homozygotes.

Submissions (2):

Dasa
Classification: Uncertain significance for Macrocephaly, dysmorphic facies, and psychomotor retardation. Last evaluated: 2026-02-10. Review status: criteria provided, single submitter. Criteria: DASA Assertion Criteria. Collection method: clinical testing. Allele origin: germline.
Comment: NM_003922.4(HERC1):c.5692C>T (p.His1898Tyr) is a missense variant that results in the substitution of histidine with tyrosine. This variant is rare in population databases. The currently available literature and clinical evidence are not sufficient to establish a definitive association between this variant and the reported condition. Therefore, this variant is classified as a variant of uncertain significance.

Ambry Genetics
Classification: Uncertain significance for Inborn genetic diseases. Last evaluated: 2025-01-03. Review status: criteria provided, single submitter. Criteria: Ambry Variant Classification Scheme 2023. Collection method: clinical testing. Allele origin: germline.